The following is an entry in ClinVar:

ClinVar aggregate classification (germline): Uncertain significance (1 of 4 stars; one submission).

Allele frequency attached by ClinVar (database versions not stated): TOPMed below 0.00001; gnomAD 0.00001; ExAC 0.00002; ESP Exome Variant Server 0.00008.
gnomAD v4.1: 17 of 1,610,674 alleles (0.0011%); highest among the groups gnomAD compares: Non-Finnish European, 0.0014%; no homozygotes.

Submission:

Labcorp Genetics (formerly Invitae), Labcorp
Classification: Uncertain significance. Last evaluated: 2025-03-10. Review status: criteria provided, single submitter. Criteria: Invitae Variant Classification Sherloc (09022015). Collection method: clinical testing. Allele origin: germline.
Comment: This sequence change affects codon 113 of the PHIP mRNA. It is a 'silent' change, meaning that it does not change the encoded amino acid sequence of the PHIP protein. It affects a nucleotide within the consensus splice site. This variant is present in population databases (rs146765729, gnomAD 0.004%). This variant has not been reported in the literature in individuals affected with PHIP-related conditions. ClinVar contains an entry for this variant (Variation ID: 2826539). Algorithms developed to predict the effect of sequence changes on RNA splicing suggest that this variant is not likely to affect RNA splicing. In summary, the available evidence is currently insufficient to determine the role of this variant in disease. Therefore, it has been classified as a Variant of Uncertain Significance.

NM_017934.7(PHIP):c.339A>G (p.Lys113=)

Gene: PHIP (PHIP subunit of CUL4-Ring ligase complex; minus strand). Cytogenetic location: 6q14.1.
Variant type: single nucleotide variant.
Coding change: c.339A>G on transcript NM_017934.7 (MANE Select); coding-DNA position 339, A replaced by G.
Protein change: p.Lys113=; no amino-acid change (lysine 113 retained).
Molecular consequence: synonymous variant.
Genome position (GRCh38, 1-based): chr6:79,060,669, T>C on the plus strand (A>G on the coding strand, the complement: PHIP is on the minus strand). VCF-style: chr6-79060669-T-C. GRCh37 (hg19) VCF-style: chr6-79770386-T-C.
Identifiers: ClinVar variation 2826539 (VCV002826539.3), dbSNP rs146765729, ClinGen allele CA3900400.